The following is an entry in ClinVar:

ClinVar aggregate classification (germline): Likely benign. Review status: criteria provided, single submitter (1 of 4 stars). 2 submissions from 2 submitters: Likely benign (1). 1 of the submissions does not count toward it. Last evaluated 2024-04-09.

Conditions:
ABCA4-related disorder. Also called: ABCA4-related condition; ABCA4-related disorders. Identifiers: MedGen CN239167.

Allele frequency attached by ClinVar (database versions not stated): gnomAD exomes 0.00001.
gnomAD v4.1: 16 of 1,614,170 alleles (0.00099%); highest among the groups gnomAD compares: Non-Finnish European, 0.0013%; no homozygotes.

Submissions (2):

Labcorp Genetics (formerly Invitae), Labcorp
Classification: Likely benign. Last evaluated: 2024-04-09. Review status: criteria provided, single submitter. Criteria: Invitae Variant Classification Sherloc (09022015). Collection method: clinical testing. Allele origin: germline.

PreventionGenetics, part of Exact Sciences
Classification: Likely benign for ABCA4-related condition. Last evaluated: 2020-06-22. Review status: no assertion criteria provided. Collection method: clinical testing. Allele origin: germline. Not counted in ClinVar's aggregate classification.
Comment: This variant is classified as likely benign based on ACMG/AMP sequence variant interpretation guidelines (Richards et al. 2015 PMID: 25741868, with internal and published modifications).

NM_000350.3(ABCA4):c.2982T>C (p.Ile994=)

Gene: ABCA4 (ATP binding cassette subfamily A member 4; minus strand). Cytogenetic location: 1p22.1.
Variant type: single nucleotide variant.
Coding change: c.2982T>C on transcript NM_000350.3 (MANE Select); coding-DNA position 2982, T replaced by C.
Protein change: p.Ile994=; no amino-acid change (isoleucine 994 retained).
Molecular consequence: synonymous variant.
Genome position (GRCh38, 1-based): chr1:94,044,681, A>G on the plus strand (T>C on the coding strand, the complement: ABCA4 is on the minus strand). VCF-style: chr1-94044681-A-G. GRCh37 (hg19) VCF-style: chr1-94510237-A-G.
Other names: c.2760T>C, p.Ile920= (NM_001425324.1).
Identifiers: ClinVar variation 1604133 (VCV001604133.10), dbSNP rs1660622253, ClinGen allele CA418808494.